The following is an entry in ClinVar:

NM_006393.3(NEBL):c.326T>C (p.Ile109Thr)

Gene: NEBL (nebulette; minus strand). Cytogenetic location: 10p12.31.
Variant type: single nucleotide variant.
Coding change: c.326T>C on transcript NM_006393.3 (MANE Select); coding-DNA position 326, T replaced by C.
Protein change: p.Ile109Thr; replaces isoleucine 109 with threonine.
Molecular consequence: missense variant. On other transcripts: intron variant (9).
Genome position (GRCh38, 1-based): chr10:20,888,140, A>G on the plus strand (T>C on the coding strand, the complement: NEBL is on the minus strand). VCF-style: chr10-20888140-A-G. GRCh37 (hg19) VCF-style: chr10-21177069-A-G.
Other names: p.I109T:ATT>ACT; c.249+73532T>C (NM_001377326.1, NM_001377327.1, NM_001377328.1); c.357+73532T>C (NM_213569.2, NM_001173484.2, NM_001377322.1); c.300+73532T>C (NM_001377324.1); c.291+73532T>C (NM_001377325.1); c.309+73532T>C (NM_001377323.1); short protein forms I109T.
Identifiers: ClinVar variation 201900 (VCV000201900.12), dbSNP rs371620771, ClinGen allele CA335343.

ClinVar aggregate classification (germline): Uncertain significance. Review status: criteria provided, multiple submitters, no conflicts (2 of 4 stars). 2 submissions from 2 submitters: Uncertain significance (2). Last evaluated 2025-12-09.

Conditions:
Primary dilated cardiomyopathy (DCM). Also called: Dilated Cardiomyopathy. Identifiers: Orphanet 217604, MedGen C0007193, MeSH D002311, MONDO:0005021, HP:0001644. Inheritance: Various modes of inheritance.

Allele frequency attached by ClinVar (database versions not stated): TOPMed 0.00005; gnomAD 0.00006; gnomAD exomes 0.00006; 1000 Genomes Project 30x 0.00016; 1000 Genomes Project 0.00020.
gnomAD v4.1: 93 of 1,613,948 alleles (0.0058%); highest among the groups gnomAD compares: South Asian, 0.037%; 2 homozygotes.

Submissions (2):

Labcorp Genetics (formerly Invitae), Labcorp
Classification: Uncertain significance for Primary dilated cardiomyopathy. Last evaluated: 2025-12-09. Review status: criteria provided, single submitter. Criteria: Invitae Variant Classification Sherloc (09022015). Collection method: clinical testing. Allele origin: germline.
Comment: This sequence change replaces isoleucine, which is neutral and non-polar, with threonine, which is neutral and polar, at codon 109 of the NEBL protein (p.Ile109Thr). This variant is present in population databases (rs371620771, gnomAD 0.05%). This variant has not been reported in the literature in individuals affected with NEBL-related conditions. ClinVar contains an entry for this variant (Variation ID: 201900). An algorithm developed to predict the effect of missense changes on protein structure and function (PolyPhen-2) suggests that this variant is likely to be disruptive. In summary, the available evidence is currently insufficient to determine the role of this variant in disease. Therefore, it has been classified as a Variant of Uncertain Significance.

GeneDx
Classification: Uncertain significance. Last evaluated: 2014-05-07. Review status: criteria provided, single submitter. Criteria: GeneDx Variant Classification (06012015). Collection method: clinical testing. Allele origin: germline. Affected: yes.
Comment: p.Ile109Thr (ATT>ACT): c.326 T>C in exon 4 of the NEBL gene (NM_006393.2) Although rare, mutations in the NEBL gene have been reported in association with dilated cardiomyopathy (DCM) and endocardialfibroelastosis (Purevjav E at al., 2010). The I109T variant has not been published as a mutation or as a benign polymorphism to our knowledge. The I109T variant was not observed with any significant frequency in approximately 6,500 individuals of European and African American ancestry in the NHLBI Exome Sequencing Project. In addition, the I109T variant is a non-conservative amino acid substitution, which is likely to impact secondary protein structure as these residues differ in polarity, charge, size and/or other properties. This substitution occurs at a position that is completely conserved across species. Nevertheless, in silico analysis is inconsistent in its prediction, but at least two models concur that this variant likely does not alter the protein structure/function. Furthermore, no missense mutations in nearby residues have been reported in association with a NEBL-related disorder, indicating this region of the protein may be tolerant of change. Therefore, based on the currently available information, it is unclear whether this variant is a pathogenic mutation or a rare benign variant. The variant is found in CARDIOMYOPATHY panel(s).